The following is an entry in ClinVar:

NM_002907.4(RECQL):c.867+4T>C

Gene: RECQL (RecQ like helicase; minus strand). Cytogenetic location: 12p12.1.
Variant type: single nucleotide variant.
Coding change: c.867+4T>C on transcript NM_002907.4 (MANE Select); 4 bases into the intron after coding-DNA position 867, T replaced by C.
Molecular consequence: intron variant.
Genome position (GRCh38, 1-based): chr12:21,477,799, A>G on the plus strand (T>C on the coding strand, the complement: RECQL is on the minus strand). VCF-style: chr12-21477799-A-G. GRCh37 (hg19) VCF-style: chr12-21630733-A-G.
Other names: c.867+4T>C (NM_032941.3).
Identifiers: ClinVar variation 515549 (VCV000515549.10), dbSNP rs368804959, ClinGen allele CA6478953.

ClinVar aggregate classification (germline): Conflicting classifications of pathogenicity. Review status: criteria provided, conflicting classifications (1 of 4 stars). 3 submissions from 3 submitters: Uncertain significance (2); Likely benign (1). Last evaluated 2025-08-12.

Allele frequency attached by ClinVar (database versions not stated): ExAC 0.00002; gnomAD 0.00003; gnomAD exomes 0.00003 and 0.00009; TOPMed 0.00003; ESP Exome Variant Server 0.00008.

Submissions (3):

Quest Diagnostics Nichols Institute San Juan Capistrano
Classification: Uncertain significance. Last evaluated: 2025-08-12. Review status: criteria provided, single submitter. Criteria: Quest Diagnostics criteria. Collection method: clinical testing. Allele origin: unknown.
Comment: The RECQL c.867+4T>C variant has not been reported in individuals with RECQL-related conditions in the published literature. The frequency of this variant in the general population (Genome Aggregation Database) is uninformative in the assessment of its pathogenicity. Analysis of this variant using software algorithms for the prediction of the effect of nucleotide changes on splicing yielded predictions that this variant does not affect RECQL mRNA splicing. Based on the available information, we are unable to determine the clinical significance of this variant.

Labcorp Genetics (formerly Invitae), Labcorp
Classification: Uncertain significance. Last evaluated: 2025-07-27. Review status: criteria provided, single submitter. Criteria: Invitae Variant Classification Sherloc (09022015). Collection method: clinical testing. Allele origin: germline.
Comment: This sequence change falls in intron 7 of the RECQL gene. It does not directly change the encoded amino acid sequence of the RECQL protein. It affects a nucleotide within the consensus splice site. This variant is present in population databases (rs368804959, gnomAD 0.004%). This variant has not been reported in the literature in individuals affected with RECQL-related conditions. ClinVar contains an entry for this variant (Variation ID: 515549). Variants that disrupt the consensus splice site are a relatively common cause of aberrant splicing (PMID: 17576681, 9536098). Algorithms developed to predict the effect of sequence changes on RNA splicing suggest that this variant is not likely to affect RNA splicing. In summary, the available evidence is currently insufficient to determine the role of this variant in disease. Therefore, it has been classified as a Variant of Uncertain Significance.

GeneDx
Classification: Likely benign. Last evaluated: 2018-02-26. Review status: criteria provided, single submitter. Criteria: GeneDx Variant Classification (06012015). Collection method: clinical testing. Allele origin: germline. Affected: yes.
Comment: This variant is considered likely benign or benign based on one or more of the following criteria: it is a conservative change, it occurs at a poorly conserved position in the protein, it is predicted to be benign by multiple in silico algorithms, and/or has population frequency not consistent with disease.

Literature cited by the submitters: PubMed 17576681 (cited by Labcorp Genetics (formerly Invitae), Labcorp); PubMed 9536098 (cited by Labcorp Genetics (formerly Invitae), Labcorp).